The following is an entry in ClinVar:

ClinVar aggregate classification (germline): Conflicting classifications of pathogenicity. Review status: criteria provided, conflicting classifications (1 of 4 stars). 3 submissions from 3 submitters: Pathogenic (1); Uncertain significance (2). Last evaluated 2025-11-10.

Conditions:
Centromeric instability of chromosomes 1,9 and 16 and immunodeficiency (ICF1). Also called: Immunodeficiency-centromeric instability-facial anomalies; CENTROMERIC INSTABILITY, IMMUNODEFICIENCY SYNDROME; IMMUNE DEFICIENCY, VARIABLE, WITH CENTROMERIC INSTABILITY OF CHROMOSOMES 1, 9, AND 16; IMMUNODEFICIENCY SYNDROME, VARIABLE. Identifiers: Orphanet 2268, MedGen C0398788, MONDO:0000133.

Allele frequency attached by ClinVar (database versions not stated): TOPMed below 0.00001; ExAC 0.00002.

Submissions (3):

Labcorp Genetics (formerly Invitae), Labcorp
Classification: Pathogenic for Centromeric instability of chromosomes 1,9 and 16 and immunodeficiency. Last evaluated: 2025-11-10. Review status: criteria provided, single submitter. Criteria: Invitae Variant Classification Sherloc (09022015). Collection method: clinical testing. Allele origin: germline.
Comment: This sequence change replaces arginine, which is basic and polar, with serine, which is neutral and polar, at codon 764 of the DNMT3B protein (p.Arg764Ser). This variant is present in population databases (rs759448571, gnomAD 0.003%). This missense change has been observed in individual(s) with centromeric instability and facial anomalies (ICF) syndrome (PMID: 17893117, 23486536; internal data). In at least one individual the data is consistent with being in trans (on the opposite chromosome) from a pathogenic variant. This variant is also known as Arg756Ser. ClinVar contains an entry for this variant (Variation ID: 461482). Invitae Evidence Modeling of protein sequence and biophysical properties (such as structural, functional, and spatial information, amino acid conservation, physicochemical variation, residue mobility, and thermodynamic stability) indicates that this missense variant is expected to disrupt DNMT3B protein function with a positive predictive value of 95%. For these reasons, this variant has been classified as Pathogenic.

GeneDx
Classification: Uncertain significance. Last evaluated: 2024-07-04. Review status: criteria provided, single submitter. Criteria: GeneDx Variant Classification Process June 2021. Collection method: clinical testing. Allele origin: germline. Affected: yes.
Comment: Not observed at significant frequency in large population cohorts (gnomAD); In silico analysis supports that this missense variant has a deleterious effect on protein structure/function; This variant is associated with the following publications: (PMID: 26415585, 23486536, 17893117, 33544358, Patel2018[abstract])

Blueprint Genetics
Classification: Uncertain significance. Last evaluated: 2022-02-08. Review status: criteria provided, single submitter. Criteria: ACMG Guidelines, 2015. Collection method: clinical testing. Allele origin: germline.

Literature cited by the submitters: PubMed 17893117 (cited by Labcorp Genetics (formerly Invitae), Labcorp); PubMed 23486536 (cited by Labcorp Genetics (formerly Invitae), Labcorp).

NM_006892.4(DNMT3B):c.2292G>T (p.Arg764Ser)

Gene: DNMT3B (DNA methyltransferase 3 beta; plus strand). Cytogenetic location: 20q11.21.
Variant type: single nucleotide variant.
Coding change: c.2292G>T on transcript NM_006892.4 (MANE Select); coding-DNA position 2292, G replaced by T.
Protein change: p.Arg764Ser; replaces arginine 764 with serine.
Molecular consequence: missense variant. On other transcripts: intron variant (3).
Genome position (GRCh38, 1-based): chr20:32,805,398, G>T. VCF-style: chr20-32805398-G-T. GRCh37 (hg19) VCF-style: chr20-31393204-G-T.
Other names: c.2232G>T, p.Arg744Ser (NM_175848.2); c.2268G>T, p.Arg756Ser (NM_175850.3); c.2172-2364G>T (NM_175849.2); c.2046-2364G>T (NM_001207055.2); c.1944-2364G>T (NM_001207056.2); short protein forms R764S, R744S, R756S.
Identifiers: ClinVar variation 461482 (VCV000461482.16), dbSNP rs759448571, ClinGen allele CA9810880.